The following is an entry in ClinVar:

NM_152703.5(SAMD9L):c.1913G>A (p.Arg638His)

Gene: SAMD9L (sterile alpha motif domain containing 9 like; minus strand). Cytogenetic location: 7q21.2.
Variant type: single nucleotide variant.
Coding change: c.1913G>A on transcript NM_152703.5 (MANE Select); coding-DNA position 1913, G replaced by A.
Protein change: p.Arg638His; replaces arginine 638 with histidine.
Molecular consequence: missense variant.
Genome position (GRCh38, 1-based): chr7:93,134,059, C>T on the plus strand (G>A on the coding strand, the complement: SAMD9L is on the minus strand). VCF-style: chr7-93134059-C-T. GRCh37 (hg19) VCF-style: chr7-92763372-C-T.
Other names: p.Arg638His; c.1913G>A, p.Arg638His (NM_001303496.3, NM_001303497.3, NM_001303498.3 and 5 more transcripts); short protein forms R638H.
Identifiers: ClinVar variation 781039 (VCV000781039.16), dbSNP rs73710963, ClinGen allele CA4343658.
Genomic context (GRCh38, chr7:93,134,059, plus strand): 5'-ATTTCCAGTGCAGTCAAGACATCCTCTTTCTTTTTCTCTAGGATAACTGAAGAAGATCCA[C>T]GGGCGGGCAAAAACCTTCTTGATGACCGAGTCACCGATTTTAGTTTAAGGATAGTGCTGT-3'
Protein context (NP_689916.2, residues 628-648): TRSSRRFLPA[Arg638His]GSSSVILEKK

ClinVar aggregate classification (germline): Benign. Review status: criteria provided, multiple submitters, no conflicts (2 of 4 stars). 4 submissions from 4 submitters: Benign (4). Last evaluated 2026-02-02.

Allele frequency attached by ClinVar (database versions not stated): gnomAD exomes 0.00081 and 0.00201; ExAC 0.00240; gnomAD 0.00703 and 0.00745; ESP Exome Variant Server 0.00708; TOPMed 0.00776; 1000 Genomes Project 0.00899; 1000 Genomes Project 30x 0.00999.

Submissions (4):

Labcorp Genetics (formerly Invitae), Labcorp
Classification: Benign. Last evaluated: 2026-02-02. Review status: criteria provided, single submitter. Criteria: Invitae Variant Classification Sherloc (09022015). Collection method: clinical testing. Allele origin: germline.

Mayo Clinic Laboratories, Mayo Clinic
Classification: Benign. Last evaluated: 2025-07-29. Review status: criteria provided, single submitter. Criteria: ACMG Guidelines, 2015. Collection method: clinical testing. Allele origin: germline. Observed: 6 variant alleles.
Comment: BS1, BS2, BP4_moderate

Genetic Services Laboratory, University of Chicago
Classification: Benign. Last evaluated: 2021-02-04. Review status: criteria provided, single submitter. Criteria: ACMG Guidelines, 2015. Collection method: clinical testing. Allele origin: germline. Affected: no.

Breakthrough Genomics
Classification: Benign. Review status: criteria provided, single submitter. Criteria: ACMG Guidelines, 2015. Collection method: not provided. Allele origin: germline. Inheritance: Autosomal dominant inheritance. Affected: yes.